The following is an entry in ClinVar:

NM_005477.3(HCN4):c.403G>A (p.Gly135Ser)

Gene: HCN4 (hyperpolarization activated cyclic nucleotide gated potassium channel 4; minus strand). Cytogenetic location: 15q24.1.
Variant type: single nucleotide variant.
Coding change: c.403G>A on transcript NM_005477.3 (MANE Select); coding-DNA position 403, G replaced by A.
Protein change: p.Gly135Ser; replaces glycine 135 with serine.
Molecular consequence: missense variant.
Genome position (GRCh38, 1-based): chr15:73,367,868, C>T on the plus strand (G>A on the coding strand, the complement: HCN4 is on the minus strand). VCF-style: chr15-73367868-C-T. GRCh37 (hg19) VCF-style: chr15-73660209-C-T.
Other names: short protein forms G135S.
Identifiers: ClinVar variation 1305581 (VCV001305581.4), dbSNP rs2151228560, ClinGen allele CA393098130.

ClinVar aggregate classification (germline): Uncertain significance. Review status: criteria provided, multiple submitters, no conflicts (2 of 4 stars). 2 submissions from 2 submitters: Uncertain significance (2). Last evaluated 2024-10-06.

Conditions:
Brugada syndrome 8 (BRGDA8). Identifiers: Orphanet 130, MedGen C2751083, MONDO:0013148, OMIM 613123.

Submissions (2):

Labcorp Genetics (formerly Invitae), Labcorp
Classification: Uncertain significance for Brugada syndrome 8. Last evaluated: 2024-10-06. Review status: criteria provided, single submitter. Criteria: Invitae Variant Classification Sherloc (09022015). Collection method: clinical testing. Allele origin: germline.
Comment: This sequence change replaces glycine, which is neutral and non-polar, with serine, which is neutral and polar, at codon 135 of the HCN4 protein (p.Gly135Ser). This variant is not present in population databases (gnomAD no frequency). This variant has not been reported in the literature in individuals affected with HCN4-related conditions. ClinVar contains an entry for this variant (Variation ID: 1305581). Invitae Evidence Modeling of protein sequence and biophysical properties (such as structural, functional, and spatial information, amino acid conservation, physicochemical variation, residue mobility, and thermodynamic stability) has been performed for this missense variant. However, the output from this modeling did not meet the statistical confidence thresholds required to predict the impact of this variant on HCN4 protein function. In summary, the available evidence is currently insufficient to determine the role of this variant in disease. Therefore, it has been classified as a Variant of Uncertain Significance.

GeneDx
Classification: Uncertain significance. Last evaluated: 2019-05-02. Review status: criteria provided, single submitter. Criteria: GeneDx Variant Classification Process June 2021. Collection method: clinical testing. Allele origin: germline. Affected: yes.
Comment: Has not been previously published as pathogenic or benign to our knowledge; Not observed in large population cohorts (Lek et al., 2016); In silico analysis, which includes protein predictors and evolutionary conservation, supports that this variant does not alter protein structure/function